The following is an entry in ClinVar:

NM_024422.6(DSC2):c.601G>A (p.Val201Ile)

Gene: DSC2 (desmocollin 2; minus strand). Cytogenetic location: 18q12.1.
Variant type: single nucleotide variant.
Coding change: c.601G>A on transcript NM_024422.6 (MANE Select); coding-DNA position 601, G replaced by A.
Protein change: p.Val201Ile; replaces valine 201 with isoleucine.
Molecular consequence: missense variant.
Genome position (GRCh38, 1-based): chr18:31,089,468, C>T on the plus strand (G>A on the coding strand, the complement: DSC2 is on the minus strand). VCF-style: chr18-31089468-C-T. GRCh37 (hg19) VCF-style: chr18-28669431-C-T.
Other names: c.601G>A, p.Val201Ile (NM_004949.5); short protein forms V201I.
Identifiers: ClinVar variation 430543 (VCV000430543.18), dbSNP rs202058544, ClinGen allele CA038922.

ClinVar aggregate classification (germline): Conflicting classifications of pathogenicity. Review status: criteria provided, conflicting classifications (1 of 4 stars). 6 submissions from 6 submitters: Uncertain significance (5); Likely benign (1). Last evaluated 2025-11-26.

Conditions:
Familial isolated arrhythmogenic right ventricular dysplasia. Identifiers: Orphanet 217656, MedGen C4274968, MONDO:0016342.
Cardiovascular phenotype. Identifiers: MedGen CN230736.
Cardiomyopathy (CMYO). Also called: Cardiomyopathies. Identifiers: Orphanet 167848, MedGen C0878544, MONDO:0004994, HP:0001638. Inheritance: Various modes of inheritance.
Arrhythmogenic right ventricular dysplasia 11. Also called: Arrhythmogenic Right Ventricular Dysplasia/Cardiomyopathy11; ARRHYTHMOGENIC RIGHT VENTRICULAR DYSPLASIA, FAMILIAL, 11; Arrhythmogenic right ventricular dysplasia 11 with mild palmoplantar keratoderma and woolly hair. Identifiers: MedGen C1864850, MONDO:0012506, OMIM 610476.

Allele frequency attached by ClinVar (database versions not stated): ExAC 0.00001; gnomAD exomes 0.00001; TOPMed 0.00001; gnomAD 0.00003; 1000 Genomes Project 30x 0.00016; 1000 Genomes Project 0.00020.

Submissions (6):

Color Diagnostics, LLC DBA Color Health
Classification: Uncertain significance for Cardiomyopathy. Last evaluated: 2025-11-26. Review status: criteria provided, single submitter. Criteria: ACMG Guidelines, 2015. Collection method: clinical testing. Allele origin: germline.
Comment: This missense variant replaces valine with isoleucine at codon 201 of the DSC2 protein. Computational prediction suggests that this variant may not impact protein structure and function. To our knowledge, functional studies have not been reported for this variant. This variant has not been reported in individuals affected with DSC2-related disorders in the literature. This variant has been identified in 27/1613894 chromosomes in the general population by the Genome Aggregation Database (gnomAD). The available evidence is insufficient to determine the role of this variant in disease conclusively. Therefore, this variant is classified as a Variant of Uncertain Significance.

Labcorp Genetics (formerly Invitae), Labcorp
Classification: Uncertain significance for Arrhythmogenic right ventricular dysplasia 11. Last evaluated: 2025-11-25. Review status: criteria provided, single submitter. Criteria: Invitae Variant Classification Sherloc (09022015). Collection method: clinical testing. Allele origin: germline.
Comment: This sequence change replaces valine, which is neutral and non-polar, with isoleucine, which is neutral and non-polar, at codon 201 of the DSC2 protein (p.Val201Ile). This variant is present in population databases (rs202058544, gnomAD 0.002%). This variant has not been reported in the literature in individuals affected with DSC2-related conditions. ClinVar contains an entry for this variant (Variation ID: 430543). Invitae Evidence Modeling of protein sequence and biophysical properties (such as structural, functional, and spatial information, amino acid conservation, physicochemical variation, residue mobility, and thermodynamic stability) indicates that this missense variant is not expected to disrupt DSC2 protein function with a negative predictive value of 80%. In summary, the available evidence is currently insufficient to determine the role of this variant in disease. Therefore, it has been classified as a Variant of Uncertain Significance.

Blueprint Genetics
Classification: Uncertain significance. Last evaluated: 2024-08-16. Review status: criteria provided, single submitter. Criteria: ACMG Guidelines, 2015. Collection method: clinical testing. Allele origin: germline.

All of Us Research Program, National Institutes of Health
Classification: Uncertain significance for Familial isolated arrhythmogenic right ventricular dysplasia. Last evaluated: 2024-06-11. Review status: criteria provided, single submitter. Criteria: ACMG Guidelines, 2015. Collection method: clinical testing. Allele origin: germline. Inheritance: Autosomal dominant inheritance. Observed: 13 variant alleles, 13 heterozygotes.
Comment: This missense variant replaces valine with isoleucine at codon 201 of the DSC2 protein. Computational prediction suggests that this variant may not impact protein structure and function (internally defined REVEL score threshold <= 0.5, PMID: 27666373). To our knowledge, functional studies have not been reported for this variant. This variant has not been reported in individuals affected with cardiovascular disorders in the literature. This variant has been identified in 3/251400 chromosomes in the general population by the Genome Aggregation Database (gnomAD). The available evidence is insufficient to determine the role of this variant in disease conclusively. Therefore, this variant is classified as a Variant of Uncertain Significance.

This study involves interpretation of variants in research participants for the purpose of population health screening. Participant phenotype was not available at the time of variant classification. Additional details can be found in publication PMID: 35346344, PMCID: PMC8962531

Ambry Genetics
Classification: Likely benign for Cardiovascular phenotype. Last evaluated: 2023-11-30. Review status: criteria provided, single submitter. Criteria: Ambry Variant Classification Scheme 2023. Collection method: clinical testing. Allele origin: germline.

GeneDx
Classification: Uncertain significance. Last evaluated: 2017-05-19. Review status: criteria provided, single submitter. Criteria: GeneDx Variant Classification (06012015). Collection method: clinical testing. Allele origin: germline. Affected: yes.
Comment: A variant of uncertain significance has been identified in the DSC2 gene. The V201I variant has not been published as pathogenic or been reported as benign to our knowledge. This variant is also not observed at a significant frequency in large population cohorts (Lek et al., 2016; 1000 Genomes Consortium et al., 2015; Exome Variant Server). However, the V201I variant is a conservative amino acid substitution, which is not likely to impact secondary protein structure as these residues share similar properties. Additionally, this substitution also occurs at a position where amino acids with similar properties to valine (V) are tolerated across species, and isoleucine (I) is the wild-type residue at this position in multiple species. Finally, in silico analysis is inconsistent in its predictions as to whether or not the variant is damaging to the protein structure/function.